The following is an entry in ClinVar:

ClinVar aggregate classification (germline): Uncertain significance. Review status: criteria provided, multiple submitters, no conflicts (2 of 4 stars). 3 submissions from 3 submitters: Uncertain significance (3). Last evaluated 2025-12-03.

Conditions:
Inborn genetic diseases. Identifiers: MedGen C0950123, MeSH D030342.

Allele frequency attached by ClinVar (database versions not stated): gnomAD 0.00001; gnomAD exomes 0.00002 and 0.00004; TOPMed 0.00003; ExAC 0.00004.
gnomAD v4.1: 37 of 1,614,038 alleles (0.0023%); highest among the groups gnomAD compares: Admixed American, 0.0083%; no homozygotes.

Submissions (3):

Ambry Genetics
Classification: Uncertain significance for Inborn genetic diseases. Last evaluated: 2025-12-03. Review status: criteria provided, single submitter. Criteria: Ambry Variant Classification Scheme 2023. Collection method: clinical testing. Allele origin: germline.

GeneDx
Classification: Uncertain significance. Last evaluated: 2024-11-05. Review status: criteria provided, single submitter. Criteria: GeneDx Variant Classification Process June 2021. Collection method: clinical testing. Allele origin: germline. Affected: yes.
Comment: In silico analysis supports that this missense variant has a deleterious effect on protein structure/function; Has not been previously published as pathogenic or benign to our knowledge

Labcorp Genetics (formerly Invitae), Labcorp
Classification: Uncertain significance. Last evaluated: 2022-08-08. Review status: criteria provided, single submitter. Criteria: Invitae Variant Classification Sherloc (09022015). Collection method: clinical testing. Allele origin: germline.
Comment: This sequence change replaces arginine, which is basic and polar, with cysteine, which is neutral and slightly polar, at codon 268 of the SPARC protein (p.Arg268Cys). This variant is present in population databases (rs747447780, gnomAD 0.01%). This variant has not been reported in the literature in individuals affected with SPARC-related conditions. ClinVar contains an entry for this variant (Variation ID: 1491680). Algorithms developed to predict the effect of missense changes on protein structure and function are either unavailable or do not agree on the potential impact of this missense change (SIFT: "Tolerated"; PolyPhen-2: "Probably Damaging"; Align-GVGD: "Class C15"). In summary, the available evidence is currently insufficient to determine the role of this variant in disease. Therefore, it has been classified as a Variant of Uncertain Significance.

NM_003118.4(SPARC):c.802C>T (p.Arg268Cys)

Genes: SPARC (secreted protein acidic and cysteine rich; minus strand), LOC126807556 (MED14-independent group 3 enhancer GRCh37_chr5:151042798-151043997; plus strand). Cytogenetic location: 5q33.1.
Variant type: single nucleotide variant.
Coding change: c.802C>T on transcript NM_003118.4 (MANE Select); coding-DNA position 802, C replaced by T.
Protein change: p.Arg268Cys; replaces arginine 268 with cysteine.
Molecular consequence: missense variant.
Genome position (GRCh38, 1-based): chr5:151,664,168, G>A on the plus strand (C>T on the coding strand, the complement: SPARC is on the minus strand). VCF-style: chr5-151664168-G-A. GRCh37 (hg19) VCF-style: chr5-151043729-G-A.
Other names: c.799C>T, p.Arg267Cys (NM_001309443.2); c.802C>T, p.Arg268Cys (NM_001309444.2); c.802C>T (NM_003118.3, NM_003118.2); short protein forms R267C, R268C.
Identifiers: ClinVar variation 1491680 (VCV001491680.7), dbSNP rs747447780, ClinGen allele CA3522573.